The following is an entry in ClinVar:

NM_000130.5(F5):c.2425C>T (p.Pro809Ser)

Gene: F5 (coagulation factor V; minus strand). Cytogenetic location: 1q24.2.
Variant type: single nucleotide variant.
Coding change: c.2425C>T on transcript NM_000130.5 (MANE Select); coding-DNA position 2425, C replaced by T.
Protein change: p.Pro809Ser; replaces proline 809 with serine.
Molecular consequence: missense variant.
Genome position (GRCh38, 1-based): chr1:169,542,665, G>A on the plus strand (C>T on the coding strand, the complement: F5 is on the minus strand). VCF-style: chr1-169542665-G-A. GRCh37 (hg19) VCF-style: chr1-169511903-G-A.
Other names: short protein forms P809S.
Identifiers: ClinVar variation 255198 (VCV000255198.17), dbSNP rs6031, ClinGen allele CA1234089.

ClinVar aggregate classification (germline): Benign/Likely benign. Review status: criteria provided, multiple submitters, no conflicts (2 of 4 stars). 8 submissions from 6 submitters: Benign (7); Likely benign (1). Last evaluated 2026-02-03.

Conditions:
Congenital factor V deficiency. Also called: LABILE FACTOR DEFICIENCY; OWREN PARAHEMOPHILIA; PARAHEMOPHILIA; Hereditary factor V deficiency disease. Identifiers: Orphanet 326, MedGen C0015499, MONDO:0009210, OMIM 227400.
Thrombophilia due to thrombin defect (THPH1). Also called: Thrombosis susceptibility; THROMBOPHILIA DUE TO FACTOR 2 DEFECT; Prothrombin-Related Thrombophilia (Factor II); Prothrombin Thrombophilia. Identifiers: MedGen C3160733, MONDO:0008559, OMIM 188050. Disease mechanism: gain of function, loss of function.
Budd-Chiari syndrome (BDCHS). Also called: Hepatic vein obstruction. Identifiers: Orphanet 131, MedGen C0856761, MONDO:0010947, OMIM 600880, HP:0002639.
Factor V deficiency. Also called: Reduced coagulation factor V activity. Identifiers: Orphanet 326, MedGen C4317320, MONDO:0020586, HP:0003225.

Allele frequency attached by ClinVar (database versions not stated): gnomAD exomes 0.00226 and 0.00629; ExAC 0.00790; gnomAD 0.02292 and 0.02430; TOPMed 0.02615; ESP Exome Variant Server 0.02722; 1000 Genomes Project 0.02935; 1000 Genomes Project 30x 0.03232.
gnomAD v4.1: 6,930 of 1,614,062 alleles (0.43%); highest among the groups gnomAD compares: African/African-American, 8.1%; 263 homozygotes.

Submissions (8):

Labcorp Genetics (formerly Invitae), Labcorp
Classification: Benign for Congenital factor V deficiency. Last evaluated: 2026-02-03. Review status: criteria provided, single submitter. Criteria: Invitae Variant Classification Sherloc (09022015). Collection method: clinical testing. Allele origin: germline.

Mayo Clinic Laboratories, Mayo Clinic
Classification: Benign. Last evaluated: 2024-05-02. Review status: criteria provided, single submitter. Criteria: ACMG Guidelines, 2015. Collection method: clinical testing. Allele origin: germline. Observed: 5 variant alleles.

GeneDx
Classification: Benign. Last evaluated: 2021-05-05. Review status: criteria provided, single submitter. Criteria: GeneDx Variant Classification Process June 2021. Collection method: clinical testing. Allele origin: germline. Affected: yes.

Illumina Laboratory Services, Illumina
Classification: Benign for Venous thrombosis. Last evaluated: 2018-01-13. Review status: criteria provided, single submitter. Criteria: ICSL Variant Classification Criteria 13 December 2019. Collection method: clinical testing. Allele origin: germline.
Comment: This variant was observed in the ICSL laboratory as part of a predisposition screen in an ostensibly healthy population. It had not been previously curated by ICSL or reported in the Human Gene Mutation Database (HGMD: prior to June 1st, 2018), and was therefore a candidate for classification through an automated scoring system. Utilizing variant allele frequency, disease prevalence and penetrance estimates, and inheritance mode, an automated score was calculated to assess if this variant is too frequent to cause the disease. Based on the score and internal cut-off values, a variant classified as benign is not then subjected to further curation. The score for this variant resulted in a classification of benign for this disease.

Illumina Laboratory Services, Illumina
Classification: Benign for Congenital factor V deficiency. Last evaluated: 2018-01-13. Review status: criteria provided, single submitter. Criteria: ICSL Variant Classification Criteria 13 December 2019. Collection method: clinical testing. Allele origin: germline.
Comment: the same text as in the submission from Illumina Laboratory Services, Illumina above.

Illumina Laboratory Services, Illumina
Classification: Benign for Budd-Chiari syndrome. Last evaluated: 2018-01-13. Review status: criteria provided, single submitter. Criteria: ICSL Variant Classification Criteria 13 December 2019. Collection method: clinical testing. Allele origin: germline.
Comment: the same text as in the submission from Illumina Laboratory Services, Illumina above.

Breakthrough Genomics
Classification: Likely benign. Review status: criteria provided, single submitter. Criteria: ACMG Guidelines, 2015. Collection method: not provided. Allele origin: germline. Inheritance: Autosomal recessive inheritance. Affected: yes.

PreventionGenetics, part of Exact Sciences
Classification: Benign. Review status: criteria provided, single submitter. Criteria: ACMG Guidelines, 2015. Collection method: clinical testing. Allele origin: germline.